The following is an entry in ClinVar:

NM_001377530.1(DMBT1):c.3303T>C (p.Pro1101=)

Gene: DMBT1 (deleted in malignant brain tumors 1; plus strand). Cytogenetic location: 10q26.13.
Variant type: single nucleotide variant.
Coding change: c.3303T>C on transcript NM_001377530.1 (MANE Select); coding-DNA position 3303, T replaced by C.
Protein change: p.Pro1101=; no amino-acid change (proline 1101 retained).
Molecular consequence: synonymous variant.
Genome position (GRCh38, 1-based): chr10:122,600,086, T>C. VCF-style: chr10-122600086-T-C. GRCh37 (hg19) VCF-style: chr10-124359602-T-C.
Other names: c.3303T>C, p.Pro1101= (NM_001320644.2, NM_007329.3); c.1806T>C, p.Pro602= (NM_004406.3); c.3273T>C, p.Pro1091= (NM_017579.3).
Identifiers: ClinVar variation 738648 (VCV000738648.5), dbSNP rs368426889, ClinGen allele CA5727513.

ClinVar aggregate classification (germline): Likely benign. Review status: criteria provided, single submitter (1 of 4 stars). 2 submissions from 2 submitters: Likely benign (1). 1 of the submissions does not count toward it. Last evaluated 2018-04-04.

Conditions:
DMBT1-related disorder. Also called: DMBT1-related condition.

Allele frequency attached by ClinVar (database versions not stated): gnomAD exomes 0.00008 and 0.00013; ExAC 0.00015; 1000 Genomes Project 30x 0.00031; gnomAD 0.00042 and 0.00052; 1000 Genomes Project 0.01657.
gnomAD v4.1: 203 of 1,605,778 alleles (0.013%); highest among the groups gnomAD compares: African/African-American, 0.12%; 17 homozygotes.

Submissions (2):

Labcorp Genetics (formerly Invitae), Labcorp
Classification: Likely benign. Last evaluated: 2018-04-04. Review status: criteria provided, single submitter. Criteria: Invitae Variant Classification Sherloc (09022015). Collection method: clinical testing. Allele origin: germline.

PreventionGenetics, part of Exact Sciences
Classification: Likely benign for DMBT1-related condition. Last evaluated: 2021-04-17. Review status: no assertion criteria provided. Collection method: clinical testing. Allele origin: germline. Not counted in ClinVar's aggregate classification.
Comment: This variant is classified as likely benign based on ACMG/AMP sequence variant interpretation guidelines (Richards et al. 2015 PMID: 25741868, with internal and published modifications).